The following is an entry in ClinVar:

NM_004004.6(GJB2):c.563A>G (p.Lys188Arg)

Gene: GJB2 (gap junction protein beta 2; minus strand). Cytogenetic location: 13q12.11.
Variant type: single nucleotide variant.
Coding change: c.563A>G on transcript NM_004004.6 (MANE Select); coding-DNA position 563, A replaced by G.
Protein change: p.Lys188Arg; replaces lysine 188 with arginine.
Molecular consequence: missense variant.
Genome position (GRCh38, 1-based): chr13:20,189,019, T>C on the plus strand (A>G on the coding strand, the complement: GJB2 is on the minus strand). VCF-style: chr13-20189019-T-C. GRCh37 (hg19) VCF-style: chr13-20763158-T-C.
Other names: short protein forms K188R.
Identifiers: ClinVar variation 429984 (VCV000429984.12), dbSNP rs1131691709, ClinGen allele CA387460893.

ClinVar aggregate classification (germline): Likely pathogenic. Review status: reviewed by expert panel (3 of 4 stars). 4 submissions from 4 submitters: Likely pathogenic (1). 3 of the submissions do not count toward it. Last evaluated 2024-03-28.

Conditions:
Nonsyndromic genetic hearing loss. Also called: Nonsyndromic hearing loss and deafness; Non-syndromic genetic deafness; Nonsyndromic genetic deafness. Identifiers: Orphanet 87884, MedGen C5680182, MONDO:0019497.
Autosomal recessive nonsyndromic hearing loss 1A (DFNB1A). Also called: GJB6-Related DFNB 1 Nonsyndromic Hearing Loss and Deafness; GJB2-Related Autosomal Recessive Nonsyndromic Hearing Loss; Nonsyndromic Hearing Loss and Deafness, DFNB1; Deafness, autosomal recessive 1A; Connexin 26 deafness; Deafness nonsyndromic, Connexin 26 linked. Identifiers: Orphanet 90636, MedGen C2673759, MONDO:0009076, OMIM 220290.

Allele frequency attached by ClinVar (database versions not stated): gnomAD exomes below 0.00001; gnomAD 0.00001.

Submissions (4):

ClinGen Hearing Loss Variant Curation Expert Panel
Classification: Likely pathogenic for Nonsyndromic genetic hearing loss. Last evaluated: 2024-03-28. Review status: reviewed by expert panel. Criteria: Clingen Hl Acmg Specifications Cdh23 Coch Gjb2 Kcnq4 Myo6 Myo7a Slc26a4 Tecta Ush2a V2. Collection method: curation. Allele origin: germline. Inheritance: Autosomal recessive inheritance.
Comment: The NM_004004.6(GJB2):c.563A>G variant in GJB2 is a missense variant predicted to cause substitution of lysine by arginine at amino acid 188 (p.Lys188Arg). The highest population minor allele frequency of the variant is 0.00025% (3/1180000) in the European (non-Finnish) population in gnomAD v.4.0.0 (PM2_Supporting). This variant has been reported in at least three probands with hearing loss (2.5 PM3_Strong points). Two probands were compound heterozygous (one confirmed trans, the other one assumed trans) with the pathogenic c.35delG, p.G12Vfs variant (Clinvar ID: 17004, PMID 17666888, internal data from GeneDx). Another proband was compound heterozygous for the pathogenic variant p.Leu90Pro (ClinVar ID: 17016, University of Minnesota internal data). The REVEL computational prediction analysis tool produced a score of 0.9 meeting PP3. In summary, this variant meets criteria to be classified as likely pathogenic for autosomal recessive hearing loss based on the ACMG/AMP criteria applied as specified by the Hearing Loss Expert Panel: PM2_Supporting, PM3_Strong, PP3 (VCEP specifications version 2; 01.17.2024).

Women's Health and Genetics/Laboratory Corporation of America, LabCorp
Classification: Likely pathogenic for Autosomal recessive nonsyndromic hearing loss 1A. Last evaluated: 2025-06-25. Review status: criteria provided, single submitter. Criteria: LabCorp Variant Classification Summary - May 2015. Collection method: clinical testing. Allele origin: germline. Not counted in ClinVar's aggregate classification.
Comment: Variant summary: GJB2 c.563A>G (p.Lys188Arg) results in a conservative amino acid change in the encoded protein sequence. Algorithms developed to predict the effect of missense changes on protein structure and function are either unavailable or do not agree on the potential impact of this missense change. The variant was absent in 251354 control chromosomes.c.563A>G has been observed in compound heterozygous individuals affected with Autosomal Recessive Non-Syndromic Hearing Loss (Putcha_2007, LCG internal data and external communication). These data indicate that the variant may be associated with disease. At least one publication reports experimental evidence evaluating an impact on protein function. The most pronounced variant effect results in mis-trafficking of the mutant protein (Ambrosi_2013). The following publications have been ascertained in the context of this evaluation (PMID: 17666888, 23967136, 25388846). ClinVar contains an entry for this variant (Variation ID: 429984). Based on the evidence outlined above, the variant was classified as likely pathogenic.

Labcorp Genetics (formerly Invitae), Labcorp
Classification: Pathogenic. Last evaluated: 2023-10-26. Review status: criteria provided, single submitter. Criteria: Invitae Variant Classification Sherloc (09022015). Collection method: clinical testing. Allele origin: germline. Not counted in ClinVar's aggregate classification.
Comment: This sequence change replaces lysine, which is basic and polar, with arginine, which is basic and polar, at codon 188 of the GJB2 protein (p.Lys188Arg). This variant is present in population databases (no rsID available, gnomAD 0.007%). This missense change has been observed in individual(s) with autosomal recessive nonsyndromic sensorineural deafness (PMID: 17666888; external communication). In at least one individual the data is consistent with being in trans (on the opposite chromosome) from a pathogenic variant. ClinVar contains an entry for this variant (Variation ID: 429984). Advanced modeling of protein sequence and biophysical properties (such as structural, functional, and spatial information, amino acid conservation, physicochemical variation, residue mobility, and thermodynamic stability) performed at Invitae indicates that this missense variant is expected to disrupt GJB2 protein function with a positive predictive value of 95%. Experimental studies have shown that this missense change affects GJB2 function (PMID: 23967136). For these reasons, this variant has been classified as Pathogenic.

GeneDx
Classification: Pathogenic. Last evaluated: 2017-04-24. Review status: criteria provided, single submitter. Criteria: GeneDx Variant Classification (06012015). Collection method: clinical testing. Allele origin: germline. Affected: yes. Not counted in ClinVar's aggregate classification.
Comment: The K188R variant in the GJB2 gene has been reported previously in association with autosomal recessive nonsyndromic sensorineural hearing loss (Putcha et al., 2007). The K188R variant is not observed in large population cohorts (Lek et al., 2016; 1000 Genomes Consortium et al., 2015; Exome Variant Server). The K188R variant is a conservative amino acid substitution, which is not likely to impact secondary protein structure as these residues share similar properties. However, this substitution occurs at a position that is conserved across species and in silico analysis predicts this variant is probably damaging to the protein structure/function. Additionally, missense variants in nearby residues (R184G, R184W, R184Q, R184P, T186M, T186K, V190D) have been reported in the Human Gene Mutation Database in association with hearing loss (Stenson et al., 2014), supporting the functional importance of this region of the protein. We interpret K188R as a pathogenic variant.

Literature cited by the submitters: PubMed 17666888 (cited by Women's Health and Genetics/Laboratory Corporation of America, LabCorp and Labcorp Genetics (formerly Invitae), Labcorp); PubMed 23967136 (cited by Women's Health and Genetics/Laboratory Corporation of America, LabCorp and Labcorp Genetics (formerly Invitae), Labcorp); PubMed 25388846 (cited by Women's Health and Genetics/Laboratory Corporation of America, LabCorp).